The following is an entry in ClinVar:

ClinVar aggregate classification (germline): Benign/Likely benign. Review status: criteria provided, multiple submitters, no conflicts (2 of 4 stars). 6 submissions from 6 submitters: Benign (1); Likely benign (5). Last evaluated 2026-06-25.

Conditions:
Retinoblastoma (RB1). Also called: RETINOBLASTOMA, SOMATIC. Identifiers: Orphanet 790, MedGen C0035335, MeSH D012175, MONDO:0008380, OMIM 180200, HP:0009919. Disease mechanism: loss of function. Inheritance: Both sporadic and heritable forms are tested..
Hereditary cancer-predisposing syndrome. Also called: Hereditary neoplastic syndrome; Hereditary Cancer Syndrome; Tumor predisposition; Neoplastic Syndromes, Hereditary. Identifiers: Orphanet 140162, MedGen C0027672, MeSH D009386, MONDO:0015356.

Allele frequency attached by ClinVar (database versions not stated): gnomAD exomes below 0.00001.
gnomAD v4.1: 1 of 1,613,700 alleles (0.000062%); highest among the groups gnomAD compares: Admixed American, 0.0017%; no homozygotes.

Submissions (6):

Myriad Genetics, Inc.
Classification: Benign for Retinoblastoma. Last evaluated: 2026-06-25. Review status: criteria provided, single submitter. Criteria: Myriad Autosomal Dominant, Autosomal Recessive and X-Linked Classification Criteria (2023). Collection method: clinical testing. Allele origin: unknown.
Comment: This variant is considered benign. This variant is a silent/synonymous amino acid change and it is not expected to impact splicing.

Labcorp Genetics (formerly Invitae), Labcorp
Classification: Likely benign for Retinoblastoma. Last evaluated: 2025-03-09. Review status: criteria provided, single submitter. Criteria: Invitae Variant Classification Sherloc (09022015). Collection method: clinical testing. Allele origin: germline.

Blueprint Genetics
Classification: Likely benign. Last evaluated: 2024-06-11. Review status: criteria provided, single submitter. Criteria: ACMG Guidelines, 2015. Collection method: clinical testing. Allele origin: germline.

All of Us Research Program, National Institutes of Health
Classification: Likely benign for Retinoblastoma. Last evaluated: 2023-11-02. Review status: criteria provided, single submitter. Criteria: ACMG Guidelines, 2015. Collection method: clinical testing. Allele origin: germline. Inheritance: Autosomal dominant inheritance. Observed: 1 variant allele, 1 heterozygote.
Comment: This study involves interpretation of variants in research participants for the purpose of population health screening. Participant phenotype was not available at the time of variant classification. Additional details can be found in publication PMID: 35346344, PMCID: PMC8962531

Color Diagnostics, LLC DBA Color Health
Classification: Likely benign for Retinoblastoma. Last evaluated: 2022-05-03. Review status: criteria provided, single submitter. Criteria: ACMG Guidelines, 2015. Collection method: clinical testing. Allele origin: germline.

Ambry Genetics
Classification: Likely benign for Hereditary cancer-predisposing syndrome. Last evaluated: 2020-11-20. Review status: criteria provided, single submitter. Criteria: Ambry Variant Classification Scheme 2023. Collection method: clinical testing. Allele origin: germline.

NM_000321.3(RB1):c.2382T>C (p.Ser794=)

Gene: RB1 (RB transcriptional corepressor 1; plus strand). Cytogenetic location: 13q14.2.
Variant type: single nucleotide variant.
Coding change: c.2382T>C on transcript NM_000321.3 (MANE Select); coding-DNA position 2382, T replaced by C.
Protein change: p.Ser794=; no amino-acid change (serine 794 retained).
Molecular consequence: synonymous variant.
Genome position (GRCh38, 1-based): chr13:48,465,261, T>C. VCF-style: chr13-48465261-T-C. GRCh37 (hg19) VCF-style: chr13-49039397-T-C.
Identifiers: ClinVar variation 1138966 (VCV001138966.15), dbSNP rs1470919585, ClinGen allele CA483740218.